The following is an entry in ClinVar:

NM_005908.4(MANBA):c.677del (p.Lys226fs)

Gene: MANBA (mannosidase beta; minus strand). Cytogenetic location: 4q24.
Variant type: Deletion.
Coding change: c.677del on transcript NM_005908.4 (MANE Select); coding-DNA position 677, one base deleted (A; older notation c.677delA).
Protein change: p.Lys226fs; shifts the reading frame from lysine 226.
Molecular consequence: frameshift variant.
Genome position (GRCh38, 1-based): chr4:102,690,768, T deleted on the plus strand (A on the coding strand, the reverse complement: MANBA is on the minus strand); the first of 2 consecutive T bases (chr4:102,690,768-102,690,769); deleting either gives the same sequence. VCF-style (leftmost placement, unchanged base first): chr4-102690767-CT-C. GRCh37 (hg19) VCF-style: chr4-103611924-CT-C.
Other names: short protein forms K226fs.
Identifiers: ClinVar variation 2842730 (VCV002842730.3), dbSNP rs2476807656, ClinGen allele CA2578156195.
Genomic context (GRCh38, chr4:102,690,767, plus strand): 5'-TGGCTTTGAGCTGACAACATCAAATGTAGACTCTATTTCCAGATTCCACTCCTGGGCACT[CT>C]TATCTAAAATATAAAAAGAAAAAGAAATATATATATATATATATAATATGCTAAGCATTA-3'

ClinVar aggregate classification (germline): Pathogenic (1 of 4 stars; one submission).

Conditions:
Beta-D-mannosidosis (MANSB). Also called: MANNOSIDOSIS, BETA A, LYSOSOMAL; BETA-MANNOSIDASE DEFICIENCY; LYSOSOMAL BETA-MANNOSIDASE DEFICIENCY; Beta-Mannosidosis. Identifiers: Orphanet 118, MedGen C4048196, MONDO:0009562, OMIM 248510.

Submission:

Labcorp Genetics (formerly Invitae), Labcorp
Classification: Pathogenic for Beta-D-mannosidosis. Last evaluated: 2023-06-11. Review status: criteria provided, single submitter. Criteria: Invitae Variant Classification Sherloc (09022015). Collection method: clinical testing. Allele origin: germline.
Comment: For these reasons, this variant has been classified as Pathogenic. Algorithms developed to predict the effect of sequence changes on RNA splicing suggest that this variant may create or strengthen a splice site. This variant has not been reported in the literature in individuals affected with MANBA-related conditions. This variant is not present in population databases (gnomAD no frequency). This sequence change creates a premature translational stop signal (p.Lys226Argfs*10) in the MANBA gene. It is expected to result in an absent or disrupted protein product. Loss-of-function variants in MANBA are known to be pathogenic (PMID: 9384606, 12468273).

Literature cited by the submitters: PubMed 9384606; PubMed 12468273.